The following is an entry in ClinVar:

NM_001134407.3(GRIN2A):c.225C>T (p.Asn75=)

Gene: GRIN2A (glutamate ionotropic receptor NMDA type subunit 2A; minus strand). Cytogenetic location: 16p13.2.
Variant type: single nucleotide variant.
Coding change: c.225C>T on transcript NM_001134407.3 (MANE Select); coding-DNA position 225, C replaced by T.
Protein change: p.Asn75=; no amino-acid change (asparagine 75 retained).
Molecular consequence: synonymous variant.
Genome position (GRCh38, 1-based): chr16:10,180,187, G>A on the plus strand (C>T on the coding strand, the complement: GRIN2A is on the minus strand). VCF-style: chr16-10180187-G-A. GRCh37 (hg19) VCF-style: chr16-10274044-G-A.
Other names: p.N75N:AAC>AAT; c.225C>T, p.Asn75= (NM_000833.5, NM_001134408.2).
Identifiers: ClinVar variation 205640 (VCV000205640.44), dbSNP rs527686036, ClinGen allele CA314918.
Genomic context (GRCh38, chr16:10,180,187, plus strand): 5'-GATGCGTGCCCCGGACATGAGGTCGCACACGTGCGTGATGAGGCTCTTGGGGTCGGTGCG[G>A]TTCATCAGCAGAGCTACCACGTTCACGTCCAGGGGCAGCCCCGCCGCCTGCTCGGGGCCC-3'
Protein context (NP_001127879.1, residues 65-85): LDVNVVALLM[Asn75=]RTDPKSLITH

ClinVar aggregate classification (germline): Benign/Likely benign. Review status: criteria provided, multiple submitters, no conflicts (2 of 4 stars). 7 submissions from 7 submitters: Benign (5); Likely benign (2). Last evaluated 2025-12-25.

Conditions:
Inborn genetic diseases. Identifiers: MedGen C0950123, MeSH D030342.
Landau-Kleffner syndrome (FESD). Also called: EPILEPSY, FOCAL, WITH SPEECH DISORDER AND WITH OR WITHOUT MENTAL RETARDATION; APHASIA, ACQUIRED, WITH EPILEPSY. Identifiers: Orphanet 1945, Orphanet 725, Orphanet 98818, MedGen C0282512, MONDO:0009509, OMIM 245570.

Allele frequency attached by ClinVar (database versions not stated): gnomAD below 0.00001 and 0.00028; TOPMed 0.00006; gnomAD exomes 0.00066 and 0.00120; 1000 Genomes Project 30x 0.00141; ExAC 0.00143; 1000 Genomes Project 0.00160.
gnomAD v4.1: 999 of 1,614,190 alleles (0.062%); highest among the groups gnomAD compares: South Asian, 1.1%; 16 homozygotes.

Submissions (7):

Labcorp Genetics (formerly Invitae), Labcorp
Classification: Benign for Landau-Kleffner syndrome. Last evaluated: 2025-12-25. Review status: criteria provided, single submitter. Criteria: Invitae Variant Classification Sherloc (09022015). Collection method: clinical testing. Allele origin: germline.

Blueprint Genetics
Classification: Likely benign. Last evaluated: 2024-11-25. Review status: criteria provided, single submitter. Criteria: ACMG Guidelines, 2015. Collection method: clinical testing. Allele origin: germline.

CeGaT Center for Human Genetics Tuebingen
Classification: Likely benign. Last evaluated: 2023-04-01. Review status: criteria provided, single submitter. Criteria: CeGaT Center For Human Genetics Tuebingen Variant Classification Criteria Version 2. Collection method: clinical testing. Allele origin: germline. Affected: yes. Observed: 2 variant alleles.
Comment: GRIN2A: BP4, BP7

Illumina Laboratory Services, Illumina
Classification: Benign for Landau-Kleffner syndrome. Last evaluated: 2018-01-12. Review status: criteria provided, single submitter. Criteria: ICSL Variant Classification Criteria 13 December 2019. Collection method: clinical testing. Allele origin: germline.
Comment: This variant was observed in the ICSL laboratory as part of a predisposition screen in an ostensibly healthy population. It had not been previously curated by ICSL or reported in the Human Gene Mutation Database (HGMD: prior to June 1st, 2018), and was therefore a candidate for classification through an automated scoring system. Utilizing variant allele frequency, disease prevalence and penetrance estimates, and inheritance mode, an automated score was calculated to assess if this variant is too frequent to cause the disease. Based on the score and internal cut-off values, a variant classified as benign is not then subjected to further curation. The score for this variant resulted in a classification of benign for this disease.

Ambry Genetics
Classification: Benign for Inborn genetic diseases. Last evaluated: 2017-11-14. Review status: criteria provided, single submitter. Criteria: Ambry Variant Classification Scheme 2023. Collection method: clinical testing. Allele origin: germline.

GeneDx
Classification: Benign. Last evaluated: 2015-01-16. Review status: criteria provided, single submitter. Criteria: GeneDx Variant Classification (06012015). Collection method: clinical testing. Allele origin: germline. Affected: yes.
Comment: This variant is considered likely benign or benign based on one or more of the following criteria: it is a conservative change, it occurs at a poorly conserved position in the protein, it is predicted to be benign by multiple in silico algorithms, and/or has population frequency not consistent with disease.

PreventionGenetics, part of Exact Sciences
Classification: Benign. Review status: criteria provided, single submitter. Criteria: ACMG Guidelines, 2015. Collection method: clinical testing. Allele origin: germline.